The following is an entry in ClinVar:

ClinVar aggregate classification (germline): Uncertain significance (1 of 4 stars; one submission).

Allele frequency attached by ClinVar (database versions not stated): TOPMed below 0.00001; gnomAD 0.00001; ExAC 0.00002; 1000 Genomes Project 30x 0.00016; 1000 Genomes Project 0.00020.
gnomAD v4.1: 34 of 1,613,990 alleles (0.0021%); highest among the groups gnomAD compares: Admixed American, 0.0067%; no homozygotes.

Submission:

Labcorp Genetics (formerly Invitae), Labcorp
Classification: Uncertain significance. Last evaluated: 2022-09-01. Review status: criteria provided, single submitter. Criteria: Invitae Variant Classification Sherloc (09022015). Collection method: clinical testing. Allele origin: germline.
Comment: This sequence change replaces aspartic acid, which is acidic and polar, with asparagine, which is neutral and polar, at codon 766 of the AGAP1 protein (p.Asp766Asn). In summary, the available evidence is currently insufficient to determine the role of this variant in disease. Therefore, it has been classified as a Variant of Uncertain Significance. Algorithms developed to predict the effect of missense changes on protein structure and function are either unavailable or do not agree on the potential impact of this missense change (SIFT: "Deleterious"; PolyPhen-2: "Benign"; Align-GVGD: "Class C0"). This variant has not been reported in the literature in individuals affected with AGAP1-related conditions. This variant is present in population databases (rs188041549, gnomAD 0.01%).

NM_001037131.3(AGAP1):c.2455G>A (p.Asp819Asn)

Gene: AGAP1 (ArfGAP with GTPase domain, ankyrin repeat and PH domain 1; plus strand). Cytogenetic location: 2q37.2.
Variant type: single nucleotide variant.
Coding change: c.2455G>A on transcript NM_001037131.3 (MANE Select); coding-DNA position 2455, G replaced by A.
Protein change: p.Asp819Asn; replaces aspartic acid 819 with asparagine.
Molecular consequence: missense variant.
Genome position (GRCh38, 1-based): chr2:236,124,003, G>A. VCF-style: chr2-236124003-G-A. GRCh37 (hg19) VCF-style: chr2-237032647-G-A.
Other names: c.2296G>A, p.Asp766Asn (NM_014914.5); short protein forms D766N, D819N.
Identifiers: ClinVar variation 2041603 (VCV002041603.4), dbSNP rs188041549, ClinGen allele CA2185290.
Genomic context (GRCh38, chr2:236,124,003, plus strand): 5'-GATGCCCACGGGAACACAGCTCTGGCCTACGCCCGGCAGGCCTCCAGCCAGGAGTGCATC[G>A]ACGTGCTGCTGCAGTACGGCTGCCCCGACGAGCGCTTCGTGCTCATGGCCACCCCTAACC-3'
Protein context (NP_001032208.1, residues 809-829): ARQASSQECI[Asp819Asn]VLLQYGCPDE